The following is an entry in ClinVar:

ClinVar aggregate classification (germline): Uncertain significance (1 of 4 stars; one submission).

Submission:

Labcorp Genetics (formerly Invitae), Labcorp
Classification: Uncertain significance. Last evaluated: 2023-02-18. Review status: criteria provided, single submitter. Criteria: Invitae Variant Classification Sherloc (09022015). Collection method: clinical testing. Allele origin: germline.
Comment: In summary, the available evidence is currently insufficient to determine the role of this variant in disease. Therefore, it has been classified as a Variant of Uncertain Significance. An algorithm developed to predict the effect of missense changes on protein structure and function (PolyPhen-2) suggests that this variant is likely to be disruptive. This variant has not been reported in the literature in individuals affected with CLCN6-related conditions. This variant is not present in population databases (gnomAD no frequency). This sequence change replaces tyrosine, which is neutral and polar, with aspartic acid, which is acidic and polar, at codon 781 of the CLCN6 protein (p.Tyr781Asp).

NM_001286.5(CLCN6):c.2341T>G (p.Tyr781Asp)

Gene: CLCN6 (chloride voltage-gated channel 6; plus strand). Cytogenetic location: 1p36.22.
Variant type: single nucleotide variant.
Coding change: c.2341T>G on transcript NM_001286.5 (MANE Select); coding-DNA position 2341, T replaced by G.
Protein change: p.Tyr781Asp; replaces tyrosine 781 with aspartic acid.
Molecular consequence: missense variant. On other transcripts: non-coding transcript variant (1).
Genome position (GRCh38, 1-based): chr1:11,838,380, T>G. VCF-style: chr1-11838380-T-G. GRCh37 (hg19) VCF-style: chr1-11898437-T-G.
Other names: c.2275T>G, p.Tyr759Asp (NM_001256959.2); short protein forms Y759D, Y781D.
Identifiers: ClinVar variation 2838868 (VCV002838868.3), dbSNP rs2523176827, ClinGen allele CA338442816.